The following is an entry in ClinVar:

ClinVar aggregate classification (germline): Conflicting classifications of pathogenicity. Review status: criteria provided, conflicting classifications (1 of 4 stars). 4 submissions from 4 submitters: Likely pathogenic (1); Uncertain significance (2). 1 of the submissions does not count toward it. Last evaluated 2025-10-30.

Conditions:
Dyskeratosis congenita, autosomal recessive 5 (DKCB5). Identifiers: MedGen C3554656, MONDO:0014076, OMIM 615190.
Pulmonary fibrosis and/or bone marrow failure, Telomere-related, 3. Also called: PULMONARY FIBROSIS AND/OR BONE MARROW FAILURE SYNDROME, TELOMERE-RELATED, 3. Identifiers: Orphanet 2032, MedGen C4225346, MONDO:0014613, OMIM 616373.

Allele frequency attached by ClinVar (database versions not stated): gnomAD exomes below 0.00001; TOPMed 0.00001.
gnomAD v4.1: 3 of 1,612,340 alleles (0.00019%); highest among the groups gnomAD compares: Non-Finnish European, 0.00025%; no homozygotes.

Submissions (4):

Clinical Genomics Laboratory, Washington University in St. Louis
Classification: Likely pathogenic for Dyskeratosis congenita, autosomal recessive 5. Last evaluated: 2025-10-30. Review status: criteria provided, single submitter. Criteria: ACMG Guidelines, 2015. Collection method: clinical testing. Allele origin: germline. Affected: yes.
Comment: The RTEL1 c.2185C>T (p.Arg729Cys) variant, also reported as NM_032957.5:c.2257C>T (p.Arg753Cys), has been observed in an individual with idiopathic pulmonary fibrosis (Petrovski S et al., PMID: 28099038). This variant is only observed in 3/1,612,340 alleles in the general population (gnomAD v4.1.0), indicating it is not a common variant. Computational predictors indicate that the variant is damaging, evidence that correlates with impact to RTEL1 function. A change in the same amino acid (p.Arg753His), resulting from a different nucleotide change, c.2258G>A, has been reported in affected individuals with pulmonary fibrosis and is considered a variant of uncertain significance (van Batenburg AA et al., PMID: 31910222). Based on available information and the ACMG/AMP guidelines for variant interpretation (Richards S et al., PMID: 25741868), this variant is classified as likely pathogenic.

Labcorp Genetics (formerly Invitae), Labcorp
Classification: Uncertain significance for Dyskeratosis congenita, autosomal recessive 5; Pulmonary fibrosis and/or bone marrow failure, Telomere-related, 3. Last evaluated: 2024-05-09. Review status: criteria provided, single submitter. Criteria: Invitae Variant Classification Sherloc (09022015). Collection method: clinical testing. Allele origin: germline.
Comment: This sequence change replaces arginine, which is basic and polar, with cysteine, which is neutral and slightly polar, at codon 729 of the RTEL1 protein (p.Arg729Cys). This variant is not present in population databases (gnomAD no frequency). This missense change has been observed in individual(s) with idiopathic pulmonary fibrosis (PMID: 28099038). ClinVar contains an entry for this variant (Variation ID: 556093). An algorithm developed to predict the effect of missense changes on protein structure and function (PolyPhen-2) suggests that this variant is likely to be disruptive. Algorithms developed to predict the effect of sequence changes on RNA splicing suggest that this variant may create or strengthen a splice site. In summary, the available evidence is currently insufficient to determine the role of this variant in disease. Therefore, it has been classified as a Variant of Uncertain Significance.

Blueprint Genetics
Classification: Uncertain significance. Last evaluated: 2023-06-20. Review status: criteria provided, single submitter. Criteria: ACMG Guidelines, 2015. Collection method: clinical testing. Allele origin: germline.

Counsyl
Classification: Uncertain significance for Dyskeratosis congenita, autosomal recessive 5. Last evaluated: 2018-01-11. Review status: no assertion criteria provided. Collection method: clinical testing. Allele origin: unknown. Not counted in ClinVar's aggregate classification.

Literature cited by the submitters: PubMed 28099038 (cited by Labcorp Genetics (formerly Invitae), Labcorp and Counsyl).

NM_001283009.2(RTEL1):c.2185C>T (p.Arg729Cys)

Genes: RTEL1 (regulator of telomere elongation helicase 1; plus strand), RTEL1-TNFRSF6B (RTEL1-TNFRSF6B readthrough (NMD candidate); plus strand). Cytogenetic location: 20q13.33.
Variant type: single nucleotide variant.
Coding change: c.2185C>T on transcript NM_001283009.2 (MANE Select); coding-DNA position 2185, C replaced by T.
Protein change: p.Arg729Cys; replaces arginine 729 with cysteine.
Molecular consequence: missense variant. On other transcripts: non-coding transcript variant (1).
Genome position (GRCh38, 1-based): chr20:63,690,130, C>T. VCF-style: chr20-63690130-C-T. GRCh37 (hg19) VCF-style: chr20-62321483-C-T.
Other names: c.1516C>T, p.Arg506Cys (NM_001283010.1); c.2185C>T, p.Arg729Cys (NM_016434.4); c.2257C>T, p.Arg753Cys (NM_032957.5); short protein forms R729C, R753C, R506C.
Identifiers: ClinVar variation 556093 (VCV000556093.6), dbSNP rs1555811919, ClinGen allele CA409679742.
Genomic context (GRCh38, chr20:63,690,130, plus strand): 5'-CTATGGCCACCCCCCAGGTTCGCCTTTGCCGACGCAAGAGCCCAACTGCCCTCCTGGGTG[C>T]GTCCCCACGTCAGGGTGTATGACAACTTTGGCCATGTCATCCGAGACGTGGCCCAGTTCT-3'
Protein context (NP_001269938.1, residues 719-739): DARAQLPSWV[Arg729Cys]PHVRVYDNFG